The following is an entry in ClinVar:

NC_000021.8:g.(?_47422287)_(47423978_?)del

Gene: COL6A1 (collagen type VI alpha 1 chain; plus strand). Cytogenetic location: 21q22.3.
Variant type: Deletion.
Identifiers: ClinVar variation 1458790 (VCV001458790.8).

ClinVar aggregate classification (germline): Pathogenic (1 of 4 stars; one submission).

Conditions:
Bethlem myopathy 1A. Also called: Bethlem myopathy 1; Bethlem Muscular Dystrophy; MYOPATHY, BENIGN CONGENITAL, WITH CONTRACTURES. Identifiers: Orphanet 610, MedGen CN029274, MONDO:0024530, OMIM 158810.

Submission:

Labcorp Genetics (formerly Invitae), Labcorp
Classification: Pathogenic for Bethlem myopathy 1A. Last evaluated: 2021-01-13. Review status: criteria provided, single submitter. Criteria: Invitae Variant Classification Sherloc (09022015). Collection method: clinical testing. Allele origin: germline.
Comment: For these reasons, this variant has been classified as Pathogenic. This variant disrupts the C-terminus of the COL6A1 protein. Other variant(s) that disrupt this region (p.Ala778Profs*53) have been determined to be pathogenic (PMID: 23738969). This suggests that variants that disrupt this region of the protein are likely to be causative of disease. This variant has not been reported in the literature in individuals with COL6A1-related conditions. This variant results in the deletion of exons 33-35 and part of exon 32 (c.2225_*54del) of the COL6A1 gene. While this deletion is not anticipated to lead to nonsense mediated decay, it is expected to alter mRNA translation or result in a truncated protein product.

Literature cited by the submitters: PubMed 23738969.